The following is an entry in ClinVar:

NM_022132.5(MCCC2):c.1640C>T (p.Ala547Val)

Gene: MCCC2 (methylcrotonyl-CoA carboxylase subunit 2; plus strand). Cytogenetic location: 5q13.2.
Variant type: single nucleotide variant.
Coding change: c.1640C>T on transcript NM_022132.5 (MANE Select); coding-DNA position 1640, C replaced by T.
Protein change: p.Ala547Val; replaces alanine 547 with valine.
Molecular consequence: missense variant.
Genome position (GRCh38, 1-based): chr5:71,656,808, C>T. VCF-style: chr5-71656808-C-T. GRCh37 (hg19) VCF-style: chr5-70952635-C-T.
Other names: c.1526C>T, p.Ala509Val (NM_001363147.1); short protein forms A547V, A509V.
Identifiers: ClinVar variation 535827 (VCV000535827.8), dbSNP rs778172446, ClinGen allele CA3298224.
Genomic context (GRCh38, chr5:71,656,808, plus strand): 5'-GGGATGATGGGATCATTGATCCAGCAGACACCAGACTGGTCTTGGGTCTCAGTTTTAGTG[C>T]AGCCCTCAACGCACCAATAGAGAAGACTGACTTCGGTATCTTCAGGATGTAACTGGAATA-3'
Protein context (NP_071415.1, residues 537-557): TRLVLGLSFS[Ala547Val]ALNAPIEKTD

ClinVar aggregate classification (germline): Uncertain significance. Review status: criteria provided, single submitter (1 of 4 stars). 2 submissions from 2 submitters: Uncertain significance (1). 1 of the submissions does not count toward it. Last evaluated 2021-11-27.

Conditions:
3-methylcrotonyl-CoA carboxylase 2 deficiency. Also called: METHYLCROTONYLGLYCINURIA, TYPE II; 3 alpha methylcrotonyl-CoA carboxylase 2 deficiency; 3 alpha methylcrotonylglycinuria 2; MCC 2 deficiency; Methylcrotonylglycinuria type 2. Identifiers: Orphanet 6, MedGen C1859499, MONDO:0008862, OMIM 210210.

Allele frequency attached by ClinVar (database versions not stated): gnomAD exomes below 0.00001 and 0.00001; ExAC 0.00002.
gnomAD v4.1: 7 of 1,614,112 alleles (0.00043%); highest among the groups gnomAD compares: Middle Eastern, 0.016%; no homozygotes.

Submissions (2):

Labcorp Genetics (formerly Invitae), Labcorp
Classification: Uncertain significance for 3-methylcrotonyl-CoA carboxylase 2 deficiency. Last evaluated: 2021-11-27. Review status: criteria provided, single submitter. Criteria: Invitae Variant Classification Sherloc (09022015). Collection method: clinical testing. Allele origin: germline.
Comment: This sequence change replaces alanine, which is neutral and non-polar, with valine, which is neutral and non-polar, at codon 547 of the MCCC2 protein (p.Ala547Val). This variant is present in population databases (rs778172446, gnomAD 0.01%). This variant has not been reported in the literature in individuals affected with MCCC2-related conditions. ClinVar contains an entry for this variant (Variation ID: 535827). Advanced modeling of protein sequence and biophysical properties (such as structural, functional, and spatial information, amino acid conservation, physicochemical variation, residue mobility, and thermodynamic stability) performed at Invitae indicates that this missense variant is expected to disrupt MCCC2 protein function. In summary, the available evidence is currently insufficient to determine the role of this variant in disease. Therefore, it has been classified as a Variant of Uncertain Significance.

Natera, Inc.
Classification: Uncertain significance for 3-methylcrotonyl-CoA carboxylase 2 deficiency. Last evaluated: 2019-11-11. Review status: no assertion criteria provided. Collection method: clinical testing. Allele origin: germline. Not counted in ClinVar's aggregate classification.